The following is an entry in ClinVar:

NM_000535.7(PMS2):c.2557A>T (p.Ile853Phe)

Gene: PMS2 (PMS1 homolog 2, mismatch repair system component; minus strand). Cytogenetic location: 7p22.1.
Variant type: single nucleotide variant.
Coding change: c.2557A>T on transcript NM_000535.7 (MANE Select); coding-DNA position 2557, A replaced by T.
Protein change: p.Ile853Phe; replaces isoleucine 853 with phenylalanine.
Molecular consequence: missense variant. On other transcripts: non-coding transcript variant (1).
Genome position (GRCh38, 1-based): chr7:5,973,431, T>A on the plus strand (A>T on the coding strand, the complement: PMS2 is on the minus strand). VCF-style: chr7-5973431-T-A. GRCh37 (hg19) VCF-style: chr7-6013062-T-A.
Other names: c.2152A>T, p.Ile718Phe (NM_001322003.2, NM_001322004.2, NM_001322005.2 and 11 more transcripts); c.2401A>T, p.Ile801Phe (NM_001322006.2); c.2239A>T, p.Ile747Phe (NM_001322007.2, NM_001322008.2, NM_001406883.1); c.2185A>T, p.Ile729Phe (NM_001322009.2, NM_001406887.1, NM_001406888.1); c.2413A>T, p.Ile805Phe (NM_001406871.1); c.2389A>T, p.Ile797Phe (NM_001406872.1, NM_001406874.1); c.2359A>T, p.Ile787Phe (NM_001406873.1); c.2281A>T, p.Ile761Phe (NM_001406875.1); and 20 more; short protein forms I452F, I542F, I695F, I729F, I861F, I915F, I731F, I750F.
Identifiers: ClinVar variation 4831151 (VCV004831151.1).
Genomic context (GRCh38, chr7:5,973,431, plus strand): 5'-AACCAATTATTCCATACAGTGACTACGGTCAGTTCTGAGAAATGACACCCAGGTTGGCGA[T>A]GTGTCTCATGGTTGGCCTTCCATGGGGACAGTTCCAGGGGTGGTCCATCTCCCCCATGTG-3'
Protein context (NP_000526.2, residues 843-862): CPHGRPTMRH[Ile853Phe]ANLGVISQN

ClinVar aggregate classification (germline): Uncertain significance (1 of 4 stars; one submission).

Conditions:
Hereditary cancer-predisposing syndrome. Also called: Neoplastic Syndromes, Hereditary; Tumor predisposition; Hereditary Cancer Syndrome; Hereditary neoplastic syndrome. Identifiers: Orphanet 140162, MedGen C0027672, MeSH D009386, MONDO:0015356.

Submission:

Ambry Genetics
Classification: Uncertain significance for Hereditary cancer-predisposing syndrome. Last evaluated: 2026-01-14. Review status: criteria provided, single submitter. Criteria: Ambry Variant Classification Scheme 2023. Collection method: clinical testing. Allele origin: germline.
Comment: The p.I853F variant (also known as c.2557A>T), located in coding exon 15 of the PMS2 gene, results from an A to T substitution at nucleotide position 2557. The isoleucine at codon 853 is replaced by phenylalanine, an amino acid with highly similar properties. This amino acid position is conserved. In addition, the in silico prediction for this alteration is inconclusive. Based on the available evidence, the clinical significance of this variant remains unclear.